The following is an entry in ClinVar:

ClinVar aggregate classification (germline): Benign/Likely benign. Review status: criteria provided, multiple submitters, no conflicts (2 of 4 stars). 5 submissions from 5 submitters: Benign (1); Likely benign (4). Last evaluated 2025-11-11.

Conditions:
Long QT syndrome (LQTS). Identifiers: MedGen C0023976, MeSH D008133, MONDO:0002442. Disease mechanism: loss of function. Inheritance: Various modes of inheritance.
Cardiovascular phenotype. Identifiers: MedGen CN230736.
Cardiac arrhythmia. Also called: Cardiac rhythm disease; Arrhythmia. Identifiers: MedGen C0003811, MONDO:0007263, HP:0011675.

Allele frequency attached by ClinVar (database versions not stated): gnomAD 0.00001; gnomAD exomes 0.00001 and 0.00002; TOPMed 0.00001; ExAC 0.00002.
gnomAD v4.1: 33 of 1,613,648 alleles (0.002%); highest among the groups gnomAD compares: Middle Eastern, 0.016%; no homozygotes.

Submissions (5):

Labcorp Genetics (formerly Invitae), Labcorp
Classification: Likely benign for Long QT syndrome. Last evaluated: 2025-11-11. Review status: criteria provided, single submitter. Criteria: Invitae Variant Classification Sherloc (09022015). Collection method: clinical testing. Allele origin: germline.

Ambry Genetics
Classification: Likely benign for Cardiovascular phenotype. Last evaluated: 2024-12-17. Review status: criteria provided, single submitter. Criteria: Ambry Variant Classification Scheme 2023. Collection method: clinical testing. Allele origin: germline.

All of Us Research Program, National Institutes of Health
Classification: Likely benign for Long QT syndrome. Last evaluated: 2024-04-16. Review status: criteria provided, single submitter. Criteria: ACMG Guidelines, 2015. Collection method: clinical testing. Allele origin: germline. Inheritance: Autosomal dominant inheritance. Observed: 1 variant allele, 1 heterozygote.
Comment: This study involves interpretation of variants in research participants for the purpose of population health screening. Participant phenotype was not available at the time of variant classification. Additional details can be found in publication PMID: 35346344, PMCID: PMC8962531

Color Diagnostics, LLC DBA Color Health
Classification: Likely benign for Arrhythmia. Last evaluated: 2018-10-08. Review status: criteria provided, single submitter. Criteria: ACMG Guidelines, 2015. Collection method: clinical testing. Allele origin: germline.

GeneDx
Classification: Benign. Last evaluated: 2015-03-03. Review status: criteria provided, single submitter. Criteria: GeneDx Variant Classification Process June 2021. Collection method: clinical testing. Allele origin: germline. Affected: yes.

NM_000218.3(KCNQ1):c.888C>T (p.Phe296=)

Gene: KCNQ1 (potassium voltage-gated channel subfamily Q member 1; plus strand). Cytogenetic location: 11p15.5.
Variant type: single nucleotide variant.
Coding change: c.888C>T on transcript NM_000218.3 (MANE Select); coding-DNA position 888, C replaced by T.
Protein change: p.Phe296=; no amino-acid change (phenylalanine 296 retained).
Molecular consequence: synonymous variant. On other transcripts: intron variant (1).
Genome position (GRCh38, 1-based): chr11:2,572,953, C>T. VCF-style: chr11-2572953-C-T. GRCh37 (hg19) VCF-style: chr11-2594183-C-T.
Other names: c.888C>T, p.Phe296= (NM_001406836.1); c.618C>T, p.Phe206= (NM_001406837.1); c.507C>T, p.Phe169= (NM_181798.2); c.478-10482C>T (NM_001406838.1).
Identifiers: ClinVar variation 924462 (VCV000924462.17), dbSNP rs768506433, ClinGen allele CA041199.